The following is an entry in ClinVar:

NM_006306.4(SMC1A):c.2191C>T (p.Leu731=)

Gene: SMC1A (structural maintenance of chromosomes 1A; minus strand). Cytogenetic location: Xp11.22.
Variant type: single nucleotide variant.
Coding change: c.2191C>T on transcript NM_006306.4 (MANE Select); coding-DNA position 2191, C replaced by T.
Protein change: p.Leu731=; no amino-acid change (leucine 731 retained).
Molecular consequence: synonymous variant.
Genome position (GRCh38, 1-based): chrX:53,405,017, G>A on the plus strand (C>T on the coding strand, the complement: SMC1A is on the minus strand). VCF-style: chrX-53405017-G-A. GRCh37 (hg19) VCF-style: chrX-53431949-G-A.
Other names: c.2125C>T, p.Leu709= (NM_001281463.1).
Identifiers: ClinVar variation 436817 (VCV000436817.34), dbSNP rs782301753, ClinGen allele CA10420474.

ClinVar aggregate classification (germline): Likely benign. Review status: criteria provided, multiple submitters, no conflicts (2 of 4 stars). 4 submissions from 4 submitters: Likely benign (4). Last evaluated 2025-09-10.

Conditions:
Congenital muscular hypertrophy-cerebral syndrome (CDLS2). Also called: Cornelia de Lange syndrome 2; SMC1A-Related Cornelia de Lange Syndrome. Identifiers: Orphanet 199, MedGen C1802395, MONDO:0010370, OMIM 300590.

Allele frequency attached by ClinVar (database versions not stated): gnomAD exomes below 0.00001 and 0.00001; ExAC 0.00003.
gnomAD v4.1: 2 of 1,199,350 alleles (0.00017%); highest among the groups gnomAD compares: Non-Finnish European, 0.00022%; no homozygotes.

Submissions (4):

Labcorp Genetics (formerly Invitae), Labcorp
Classification: Likely benign for Congenital muscular hypertrophy-cerebral syndrome. Last evaluated: 2025-09-10. Review status: criteria provided, single submitter. Criteria: Invitae Variant Classification Sherloc (09022015). Collection method: clinical testing. Allele origin: germline.

CeGaT Center for Human Genetics Tuebingen
Classification: Likely benign. Last evaluated: 2022-07-01. Review status: criteria provided, single submitter. Criteria: CeGaT Center For Human Genetics Tuebingen Variant Classification Criteria Version 2. Collection method: clinical testing. Allele origin: germline. Affected: yes. Observed: 1 variant allele.
Comment: SMC1A: BP4, BP7

GeneDx
Classification: Likely benign. Last evaluated: 2020-04-03. Review status: criteria provided, single submitter. Criteria: GeneDx Variant Classification Process June 2021. Collection method: clinical testing. Allele origin: germline. Affected: yes.

Genetic Services Laboratory, University of Chicago
Classification: Likely benign. Last evaluated: 2016-10-19. Review status: criteria provided, single submitter. Criteria: ACMG Guidelines, 2015. Collection method: clinical testing. Allele origin: germline. Affected: no.